The following is an entry in ClinVar:

NM_005732.4(RAD50):c.531T>A (p.Asp177Glu)

Gene: RAD50 (RAD50 double strand break repair protein; plus strand). Cytogenetic location: 5q31.1.
Variant type: single nucleotide variant.
Coding change: c.531T>A on transcript NM_005732.4 (MANE Select); coding-DNA position 531, T replaced by A.
Protein change: p.Asp177Glu; replaces aspartic acid 177 with glutamic acid.
Molecular consequence: missense variant.
Genome position (GRCh38, 1-based): chr5:132,579,482, T>A. VCF-style: chr5-132579482-T-A. GRCh37 (hg19) VCF-style: chr5-131915174-T-A.
Other names: short protein forms D177E.
Identifiers: ClinVar variation 846830 (VCV000846830.10), dbSNP rs1750466171, ClinGen allele CA360935051.

ClinVar aggregate classification (germline): Uncertain significance (1 of 4 stars; one submission).

Conditions:
Hereditary cancer-predisposing syndrome. Also called: Tumor predisposition; Hereditary neoplastic syndrome; Neoplastic Syndromes, Hereditary; Hereditary Cancer Syndrome. Identifiers: Orphanet 140162, MedGen C0027672, MeSH D009386, MONDO:0015356.

Allele frequency attached by ClinVar (database versions not stated): gnomAD exomes below 0.00001.
gnomAD v4.1: 1 of 1,613,484 alleles (0.000062%); highest among the groups gnomAD compares: Non-Finnish European, 0.000085%; no homozygotes.

Submission:

Labcorp Genetics (formerly Invitae), Labcorp
Classification: Uncertain significance for Hereditary cancer-predisposing syndrome. Last evaluated: 2019-12-04. Review status: criteria provided, single submitter. Criteria: Invitae Variant Classification Sherloc (09022015). Collection method: clinical testing. Allele origin: germline.
Comment: This variant has not been reported in the literature in individuals with RAD50-related conditions. Algorithms developed to predict the effect of missense changes on protein structure and function (SIFT, PolyPhen-2, Align-GVGD) all suggest that this variant is likely to be disruptive, but these predictions have not been confirmed by published functional studies and their clinical significance is uncertain. In summary, the available evidence is currently insufficient to determine the role of this variant in disease. Therefore, it has been classified as a Variant of Uncertain Significance. This variant is not present in population databases (ExAC no frequency). This sequence change replaces aspartic acid with glutamic acid at codon 177 of the RAD50 protein (p.Asp177Glu). The aspartic acid residue is highly conserved and there is a small physicochemical difference between aspartic acid and glutamic acid.